The following is an entry in ClinVar:

ClinVar aggregate classification (germline): Conflicting classifications of pathogenicity. Review status: criteria provided, conflicting classifications (1 of 4 stars). 3 submissions from 3 submitters: Pathogenic (1); Likely pathogenic (1); Uncertain significance (1). Last evaluated 2026-06-11.

Conditions:
Familial cancer of breast. Also called: hereditary breast carcinoma; Hereditary breast cancer; BREAST CANCER, FAMILIAL. Identifiers: Orphanet 227535, MedGen C0346153, MONDO:0016419, OMIM 114480. Disease mechanism: loss of function.
Hereditary cancer-predisposing syndrome. Also called: Tumor predisposition; Hereditary Cancer Syndrome; Neoplastic Syndromes, Hereditary; Hereditary neoplastic syndrome. Identifiers: Orphanet 140162, MedGen C0027672, MeSH D009386, MONDO:0015356.

Submissions (3):

Ambry Genetics
Classification: Likely pathogenic for Hereditary cancer-predisposing syndrome. Last evaluated: 2026-06-11. Review status: criteria provided, single submitter. Criteria: Ambry Variant Classification Scheme 2023. Collection method: clinical testing. Allele origin: germline.
Comment: The c.1461G>C variant (also known as p.Q487H), located in coding exon 12 of the CHEK2 gene, results from a C to C substitution at nucleotide position 1461. The glutamine at codon 487 is replaced by histidine, an amino acid with highly similar properties. However, this change occurs in the last base pair of coding exon 12, which makes it likely to have some effect on normal mRNA splicing. This variant is considered to be rare based on population cohorts in the Genome Aggregation Database (gnomAD). This nucleotide position is highly conserved in available vertebrate species, and this amino acid position is highly conserved in available vertebrate species. In silico splice site analysis predicts that this alteration will weaken the native splice donor site; however, direct evidence is insufficient at this time (Ambry internal data). Other variants impacting the same donor site (c.1461+1G>T, c.1461+1G>A, c.1461+2T>A, and c.1461+2T>C) have been reported as likely pathogenic/pathogenic and are predicted or were observed to have the same splicing impact that is predicted for this variant (Ambry internal data). In addition, as a missense substitution this is predicted to be tolerated by in silico analysis. Based on the majority of available evidence to date, this variant is likely to be pathogenic.

Labcorp Genetics (formerly Invitae), Labcorp
Classification: Pathogenic for Familial cancer of breast. Last evaluated: 2025-11-27. Review status: criteria provided, single submitter. Criteria: Invitae Variant Classification Sherloc (09022015). Collection method: clinical testing. Allele origin: germline.
Comment: This sequence change replaces glutamine, which is neutral and polar, with histidine, which is basic and polar, at codon 487 of the CHEK2 protein (p.Gln487His). RNA analysis indicates that this missense change induces altered splicing and may result in an absent or altered protein product. This variant is not present in population databases (gnomAD no frequency). This variant has not been reported in the literature in individuals affected with CHEK2-related conditions. ClinVar contains an entry for this variant (Variation ID: 650435). An algorithm developed to predict the effect of missense changes on protein structure and function (PolyPhen-2) suggests that this variant is likely to be disruptive. Variants that disrupt the consensus splice site are a relatively common cause of aberrant splicing (PMID: 17576681, 9536098). Studies have shown that this missense change results in skipping of exon 13, and produces a non-functional protein and/or introduces a premature termination codon (internal data). For these reasons, this variant has been classified as Pathogenic.

Color Diagnostics, LLC DBA Color Health
Classification: Uncertain significance for Hereditary cancer-predisposing syndrome. Last evaluated: 2025-06-30. Review status: criteria provided, single submitter. Criteria: ACMG Guidelines, 2015. Collection method: clinical testing. Allele origin: germline.
Comment: This missense variant replaces glutamine with histidine at codon 487 of the CHEK2 protein. Computational prediction suggests that this variant may not impact protein structure and function. This variant alters the last c.G nucleotide of exon 13 and is predicted to disrupt RNA splicing. An external laboratory has reported that this variant results in aberrant splicing and loss of gene function, but details of this study are not available (ClinVar: SCV000945549.7). This variant has been observed in an individual suspected of having Lynch syndrome (PMID: 25980754). This variant has not been identified in the general population by the Genome Aggregation Database (gnomAD). Although there is a suspicion for a pathogenic role, the available evidence is insufficient to determine the role of this variant in disease conclusively. Therefore, this variant is classified as a Variant of Uncertain Significance.

Literature cited by the submitters: PubMed 17576681 (cited by Labcorp Genetics (formerly Invitae), Labcorp); PubMed 9536098 (cited by Labcorp Genetics (formerly Invitae), Labcorp); PubMed 25980754 (cited by Color Diagnostics, LLC DBA Color Health).

NM_007194.4(CHEK2):c.1461G>C (p.Gln487His)

Gene: CHEK2 (checkpoint kinase 2; minus strand). Cytogenetic location: 22q12.1.
Variant type: single nucleotide variant.
Coding change: c.1461G>C on transcript NM_007194.4 (MANE Select); coding-DNA position 1461, G replaced by C.
Protein change: p.Gln487His; replaces glutamine 487 with histidine.
Molecular consequence: missense variant.
Genome position (GRCh38, 1-based): chr22:28,694,032, C>G on the plus strand (G>C on the coding strand, the complement: CHEK2 is on the minus strand). VCF-style: chr22-28694032-C-G. GRCh37 (hg19) VCF-style: chr22-29090020-C-G.
Other names: c.1374G>C, p.Gln458His (NM_145862.3); c.1590G>C, p.Gln530His (NM_001005735.3); c.798G>C, p.Gln266His (NM_001257387.3); c.1260G>C, p.Gln420His (NM_001349956.3); short protein forms Q487H, Q420H, Q458H, Q266H, Q530H.
Identifiers: ClinVar variation 650435 (VCV000650435.16), dbSNP rs1060502701, ClinGen allele CA411093862.
Genomic context (GRCh38, chr22:28,694,032, plus strand): 5'-TCTCTCAGGCAGCAGGGCTTCCCATGTATTTTATGCTAGCAGGCACTGTCCCACACCCAC[C>G]TGAAGCCACGGGTGTCTTAAGGCTTCTTCTGTCGTAAAACGTGCCTTTGGATCCACTACC-3'
Protein context (NP_009125.1, residues 477-497): TEEALRHPWL[Gln487His]DEDMKRKFQD